The following is an entry in ClinVar:

NM_001845.6(COL4A1):c.4831G>A (p.Ala1611Thr)

Gene: COL4A1 (collagen type IV alpha 1 chain; minus strand). Cytogenetic location: 13q34.
Variant type: single nucleotide variant.
Coding change: c.4831G>A on transcript NM_001845.6 (MANE Select); coding-DNA position 4831, G replaced by A.
Protein change: p.Ala1611Thr; replaces alanine 1611 with threonine.
Molecular consequence: missense variant.
Genome position (GRCh38, 1-based): chr13:110,152,431, C>T on the plus strand (G>A on the coding strand, the complement: COL4A1 is on the minus strand). VCF-style: chr13-110152431-C-T. GRCh37 (hg19) VCF-style: chr13-110804778-C-T.
Other names: short protein forms A1611T.
Identifiers: ClinVar variation 4776644 (VCV004776644.1).
Genomic context (GRCh38, chr13:110,152,431, plus strand): 5'-AGCTGTAAGCGTTTGCGTAGTAATTGCAGGTCCCACGGCCGTGACACTCGATGAATGGCG[C>T]ACTTCTAAACTCCTCCAGGCAGGAGCCGGGGGACGCCAGGGCTTGGCCAGAGCCTTCTGC-3'
Protein context (NP_001836.3, residues 1601-1621): PGSCLEEFRS[Ala1611Thr]PFIECHGRGT

ClinVar aggregate classification (germline): Uncertain significance (1 of 4 stars; one submission).

gnomAD v4.1: 1 of 1,614,186 alleles (0.000062%); highest among the groups gnomAD compares: African/African-American, 0.0013%; no homozygotes.

Submission:

Labcorp Genetics (formerly Invitae), Labcorp
Classification: Uncertain significance. Last evaluated: 2025-09-08. Review status: criteria provided, single submitter. Criteria: Invitae Variant Classification Sherloc (09022015). Collection method: clinical testing. Allele origin: germline.
Comment: This sequence change replaces alanine, which is neutral and non-polar, with threonine, which is neutral and polar, at codon 1611 of the COL4A1 protein (p.Ala1611Thr). This variant is not present in population databases (gnomAD no frequency). This variant has not been reported in the literature in individuals affected with COL4A1-related conditions. Invitae Evidence Modeling of protein sequence and biophysical properties (such as structural, functional, and spatial information, amino acid conservation, physicochemical variation, residue mobility, and thermodynamic stability) indicates that this missense variant is not expected to disrupt COL4A1 protein function with a negative predictive value of 95%. In summary, the available evidence is currently insufficient to determine the role of this variant in disease. Therefore, it has been classified as a Variant of Uncertain Significance.